The following is an entry in ClinVar:

ClinVar aggregate classification (germline): Uncertain significance (1 of 4 stars; one submission).

Conditions:
Cardiovascular phenotype. Identifiers: MedGen CN230736.

Submission:

Ambry Genetics
Classification: Uncertain significance for Cardiovascular phenotype. Last evaluated: 2024-12-06. Review status: criteria provided, single submitter. Criteria: Ambry Variant Classification Scheme 2023. Collection method: clinical testing. Allele origin: germline.
Comment: The c.1495_1529del35 variant, located in coding exon 9 of the LDB3 gene, results from a deletion of 35 nucleotides at nucleotide positions 1495 to 1529, causing a translational frameshift with a predicted alternate stop codon (p.K499Qfs*30). This alteration is expected to result in protein truncation or nonsense-mediated mRNA decay. However, loss of function of LDB3 has not been established as a mechanism of disease. Based on the available evidence, the clinical significance of this alteration remains unclear.

NM_007078.3(LDB3):c.1495_1529del (p.Lys499fs)

Gene: LDB3 (LIM domain binding 3; plus strand). Cytogenetic location: 10q23.2.
Variant type: Deletion.
Coding change: c.1495_1529del on transcript NM_007078.3 (MANE Select); coding-DNA positions 1495 to 1529, 35 bases deleted.
Protein change: p.Lys499fs; shifts the reading frame from lysine 499.
Molecular consequence: frameshift variant.
Genome position (GRCh38, 1-based): chr10:86,716,590-86,716,624, 35 bases deleted; deleting any 35 consecutive bases within chr10:86,716,587-86,716,624 gives the same sequence; the c. name uses the placement nearest the transcript's 3' end. GRCh37 (hg19): chr10:88,476,347-88,476,381.
Other names: c.1165_1199del, p.Lys389fs (NM_001080114.2); c.1510_1544del, p.Lys504fs (NM_001171610.2); c.1306_1340del, p.Lys436fs (NM_001368064.1, NM_001368065.1); c.1354_1388del, p.Lys452fs (NM_001368066.1); short protein forms K499fs, K389fs, K504fs, K436fs, K452fs.
Identifiers: ClinVar variation 3537679 (VCV003537679.1).